The following is an entry in ClinVar:

NM_014874.4(MFN2):c.2113G>A (p.Val705Ile)

Gene: MFN2 (mitofusin 2; plus strand). Cytogenetic location: 1p36.22.
Variant type: single nucleotide variant.
Coding change: c.2113G>A on transcript NM_014874.4 (MANE Select); coding-DNA position 2113, G replaced by A.
Protein change: p.Val705Ile; replaces valine 705 with isoleucine.
Molecular consequence: missense variant.
Genome position (GRCh38, 1-based): chr1:12,009,635, G>A. VCF-style: chr1-12009635-G-A. GRCh37 (hg19) VCF-style: chr1-12069692-G-A.
Other names: p.V705I:GTC>ATC; c.2113G>A, p.Val705Ile (NM_001127660.2); short protein forms V705I.
Identifiers: ClinVar variation 138217 (VCV000138217.70), dbSNP rs142271930, ClinGen allele CA292078.

ClinVar aggregate classification (germline): Benign/Likely benign. Review status: criteria provided, multiple submitters, no conflicts (2 of 4 stars). 15 submissions from 14 submitters: Benign (10); Likely benign (2). 3 of the submissions do not count toward it. Last evaluated 2026-02-03.

Conditions:
Charcot-Marie-Tooth disease type 2A2. Also called: CHARCOT-MARIE-TOOTH DISEASE, AXONAL, AUTOSOMAL DOMINANT, TYPE 2A2A; CHARCOT-MARIE-TOOTH DISEASE, NEURONAL, TYPE 2A2; HEREDITARY MOTOR AND SENSORY NEUROPATHY IIA2; HMSN IIA2; CHARCOT-MARIE-TOOTH DISEASE, AXONAL, TYPE 2A2; Charcot-Marie-Tooth Neuropathy Type 2A2. Identifiers: Orphanet 99947, MedGen C4721887, MONDO:0012231, OMIM 609260.
Charcot-Marie-Tooth disease, axonal, autosomal recessive, type 2a2b;. Also called: Charcot-Marie-Tooth disease, axonal, type 2A2B; Charcot-Marie-Tooth disease, axonal, autosomal recessive, type 2A2B. Identifiers: MedGen C4310725, MONDO:0014906, OMIM 617087.
Neuropathy, hereditary motor and sensory, type 6A (HMSN6A). Also called: HMSN VIA; CHARCOT-MARIE-TOOTH DISEASE, TYPE 6A; NEUROPATHY, HEREDITARY MOTOR AND SENSORY, TYPE VIA, WITH OPTIC ATROPHY; NEUROPATHY, HEREDITARY MOTOR AND SENSORY, TYPE VIA. Identifiers: MedGen CN305336, MONDO:0011002, OMIM 601152.
Charcot-Marie-Tooth disease. Also called: Charcot-Marie-Tooth Hereditary Neuropathy; Charcot-Marie-Tooth Neuropathy. Identifiers: Orphanet 166, MedGen C0007959, MONDO:0015626.
Charcot-Marie-Tooth disease type 2. Also called: Charcot-Marie-Tooth type 2. Identifiers: Orphanet 64746, MedGen C0270914, MONDO:0018993.
Hereditary motor and sensory neuropathy with optic atrophy. Also called: PERIPHERAL NEUROPATHY AND OPTIC ATROPHY; CHARCOT-MARIE-TOOTH DISEASE, TYPE 6. Identifiers: Orphanet 90120, MedGen C0393807, MONDO:0019551.

Allele frequency attached by ClinVar (database versions not stated): 1000 Genomes Project 30x 0.00141; 1000 Genomes Project 0.00160; TOPMed 0.00264; ESP Exome Variant Server 0.00269; gnomAD 0.00593 and 0.00621; ExAC 0.00635; gnomAD exomes 0.00658.
gnomAD v4.1: 8,193 of 1,614,164 alleles (0.51%); highest among the groups gnomAD compares: Non-Finnish European, 0.41%; 81 homozygotes.

Submissions (15):

Labcorp Genetics (formerly Invitae), Labcorp
Classification: Benign for Charcot-Marie-Tooth disease type 2. Last evaluated: 2026-02-03. Review status: criteria provided, single submitter. Criteria: Invitae Variant Classification Sherloc (09022015). Collection method: clinical testing. Allele origin: germline.

CeGaT Center for Human Genetics Tuebingen
Classification: Likely benign. Last evaluated: 2025-12-01. Review status: criteria provided, single submitter. Criteria: CeGaT Center For Human Genetics Tuebingen Variant Classification Criteria Version 2. Collection method: clinical testing. Allele origin: germline. Affected: yes. Observed: 23 variant alleles.
Comment: MFN2: BS2

ARUP Laboratories, Molecular Genetics and Genomics, ARUP Laboratories
Classification: Benign. Last evaluated: 2024-06-05. Review status: criteria provided, single submitter. Criteria: ARUP Molecular Germline Variant Investigation Process 2024. Collection method: clinical testing. Allele origin: germline.

Mayo Clinic Laboratories, Mayo Clinic
Classification: Benign. Last evaluated: 2023-06-01. Review status: criteria provided, single submitter. Criteria: ACMG Guidelines, 2015. Collection method: clinical testing. Allele origin: germline. Observed: 15 variant alleles.

Fulgent Genetics
Classification: Benign for Neuropathy, hereditary motor and sensory, type 6A; Charcot-Marie-Tooth disease type 2A2; Charcot-Marie-Tooth disease, axonal, autosomal recessive, type 2a2b;. Last evaluated: 2022-02-23. Review status: criteria provided, single submitter. Criteria: ACMG Guidelines, 2015. Collection method: clinical testing. Allele origin: unknown.

Eurofins Ntd Llc (ga)
Classification: Benign. Last evaluated: 2018-08-15. Review status: criteria provided, single submitter. Criteria: EGL ClinVar v180209 classification definitions. Collection method: clinical testing. Allele origin: germline. Observed: 1 variant allele, 1 heterozygote.

Athena Diagnostics
Classification: Benign. Last evaluated: 2018-03-29. Review status: criteria provided, single submitter. Criteria: Athena Diagnostics Criteria. Collection method: clinical testing. Allele origin: germline.

Illumina Laboratory Services, Illumina
Classification: Benign for Charcot-Marie-Tooth disease, type 2. Last evaluated: 2018-03-06. Review status: criteria provided, single submitter. Criteria: ICSL Variant Classification Criteria 13 December 2019. Collection method: clinical testing. Allele origin: germline.
Comment: This variant was observed in the ICSL laboratory as part of a predisposition screen in an ostensibly healthy population. It had not been previously curated by ICSL or reported in the Human Gene Mutation Database (HGMD: prior to June 1st, 2018), and was therefore a candidate for classification through an automated scoring system. Utilizing variant allele frequency, disease prevalence and penetrance estimates, and inheritance mode, an automated score was calculated to assess if this variant is too frequent to cause the disease. Based on the score and internal cut-off values, a variant classified as benign is not then subjected to further curation. The score for this variant resulted in a classification of benign for this disease.

Illumina Laboratory Services, Illumina
Classification: Benign for Neuropathy, hereditary motor and sensory, type 6A. Last evaluated: 2018-03-06. Review status: criteria provided, single submitter. Criteria: ICSL Variant Classification Criteria 13 December 2019. Collection method: clinical testing. Allele origin: germline.
Comment: the same text as in the submission from Illumina Laboratory Services, Illumina above.

GeneDx
Classification: Benign. Last evaluated: 2013-11-12. Review status: criteria provided, single submitter. Criteria: GeneDx Variant Classification (06012015). Collection method: clinical testing. Allele origin: germline. Affected: yes.
Comment: This variant is considered likely benign or benign based on one or more of the following criteria: it is a conservative change, it occurs at a poorly conserved position in the protein, it is predicted to be benign by multiple in silico algorithms, and/or has population frequency not consistent with disease.

Breakthrough Genomics
Classification: Likely benign. Review status: criteria provided, single submitter. Criteria: ACMG Guidelines, 2015. Collection method: not provided. Allele origin: germline. Inheritance: Autosomal recessive inheritance. Affected: yes.

Molecular Genetics Laboratory, London Health Sciences Centre
Classification: Benign for Charcot-Marie-Tooth disease. Review status: criteria provided, single submitter. Criteria: ACMG Guidelines, 2015. Collection method: clinical testing. Allele origin: germline. Affected: yes.

Clinical Genetics DNA and cytogenetics Diagnostics Lab, Erasmus MC, Erasmus Medical Center
Classification: Likely benign. Review status: no assertion criteria provided. Collection method: clinical testing. Allele origin: germline. Affected: yes. Study: VKGL Data-share Consensus. Not counted in ClinVar's aggregate classification.

Clinical Genetics, Academic Medical Center
Classification: Benign. Review status: no assertion criteria provided. Collection method: clinical testing. Allele origin: germline. Affected: yes. Study: VKGL Data-share Consensus. Not counted in ClinVar's aggregate classification.

Joint Genome Diagnostic Labs from Nijmegen and Maastricht, Radboudumc and MUMC+
Classification: Benign. Review status: no assertion criteria provided. Collection method: clinical testing. Allele origin: germline. Affected: yes. Study: VKGL Data-share Consensus. Not counted in ClinVar's aggregate classification.

Literature cited by the submitters: PubMed 26316991 (cited by Athena Diagnostics); PubMed 23456260 (cited by Athena Diagnostics); PubMed 24126688 (cited by Athena Diagnostics); PubMed 22494076 (cited by Athena Diagnostics); PubMed 16762064 (cited by Athena Diagnostics); PubMed 16930284 (cited by Athena Diagnostics); PubMed 20350294 (cited by Athena Diagnostics).